The following is an entry in ClinVar:

ClinVar aggregate classification (germline): Uncertain significance (1 of 4 stars; one submission).

Conditions:
Charcot-Marie-Tooth disease, type I (CMT1). Also called: Charcot-Marie-Tooth, Type 1; Charcot-Marie-Tooth disease type 1. Identifiers: Orphanet 65753, MedGen C0751036, MONDO:0019011.

Allele frequency attached by ClinVar (database versions not stated): gnomAD exomes below 0.00001.
gnomAD v4.1: 1 of 1,601,412 alleles (0.000062%); highest among the groups gnomAD compares: African/African-American, 0.0013%; no homozygotes.

Submission:

Labcorp Genetics (formerly Invitae), Labcorp
Classification: Uncertain significance for Charcot-Marie-Tooth disease, type I. Last evaluated: 2021-10-29. Review status: criteria provided, single submitter. Criteria: Invitae Variant Classification Sherloc (09022015). Collection method: clinical testing. Allele origin: germline.
Comment: This variant has not been reported in the literature in individuals affected with EGR2-related conditions. In summary, the available evidence is currently insufficient to determine the role of this variant in disease. Therefore, it has been classified as a Variant of Uncertain Significance. Experimental studies and prediction algorithms are not available or were not evaluated, and the functional significance of this variant is currently unknown. This variant is not present in population databases (gnomAD no frequency). This sequence change replaces serine, which is neutral and polar, with asparagine, which is neutral and polar, at codon 429 of the EGR2 protein (p.Ser429Asn).

NM_000399.5(EGR2):c.1286G>A (p.Ser429Asn)

Gene: EGR2 (early growth response 2; minus strand). Cytogenetic location: 10q21.3.
Variant type: single nucleotide variant.
Coding change: c.1286G>A on transcript NM_000399.5 (MANE Select); coding-DNA position 1286, G replaced by A.
Protein change: p.Ser429Asn; replaces serine 429 with asparagine.
Molecular consequence: missense variant.
Genome position (GRCh38, 1-based): chr10:62,813,352, C>T on the plus strand (G>A on the coding strand, the complement: EGR2 is on the minus strand). VCF-style: chr10-62813352-C-T. GRCh37 (hg19) VCF-style: chr10-64573112-C-T.
Other names: c.1286G>A, p.Ser429Asn (NM_001136177.3, NM_001136178.2); c.1136G>A, p.Ser379Asn (NM_001136179.3, NM_001321037.2); short protein forms S429N, S379N.
Identifiers: ClinVar variation 1348249 (VCV001348249.6), dbSNP rs1842161787, ClinGen allele CA377027175.